The following is an entry in ClinVar:

ClinVar aggregate classification (germline): Uncertain significance (1 of 4 stars; one submission).

gnomAD v4.1: 4 of 1,605,990 alleles (0.00025%); highest among the groups gnomAD compares: Non-Finnish European, 0.00025%; no homozygotes.

Submission:

Labcorp Genetics (formerly Invitae), Labcorp
Classification: Uncertain significance. Last evaluated: 2024-08-19. Review status: criteria provided, single submitter. Criteria: Invitae Variant Classification Sherloc (09022015). Collection method: clinical testing. Allele origin: germline.
Comment: This sequence change replaces serine, which is neutral and polar, with asparagine, which is neutral and polar, at codon 191 of the APOA1 protein (p.Ser191Asn). This variant is not present in population databases (gnomAD no frequency). This variant has not been reported in the literature in individuals affected with APOA1-related conditions. Invitae Evidence Modeling of protein sequence and biophysical properties (such as structural, functional, and spatial information, amino acid conservation, physicochemical variation, residue mobility, and thermodynamic stability) indicates that this missense variant is expected to disrupt APOA1 protein function with a positive predictive value of 80%. In summary, the available evidence is currently insufficient to determine the role of this variant in disease. Therefore, it has been classified as a Variant of Uncertain Significance.

NM_000039.3(APOA1):c.572G>A (p.Ser191Asn)

Gene: APOA1 (apolipoprotein A1; minus strand). Cytogenetic location: 11q23.3.
Variant type: single nucleotide variant.
Coding change: c.572G>A on transcript NM_000039.3 (MANE Select); coding-DNA position 572, G replaced by A.
Protein change: p.Ser191Asn; replaces serine 191 with asparagine.
Molecular consequence: missense variant.
Genome position (GRCh38, 1-based): chr11:116,836,040, C>T on the plus strand (G>A on the coding strand, the complement: APOA1 is on the minus strand). VCF-style: chr11-116836040-C-T. GRCh37 (hg19) VCF-style: chr11-116706756-C-T.
Other names: c.572G>A, p.Ser191Asn (NM_001318017.2, NM_001318018.2, NM_001425090.1); c.245G>A, p.Ser82Asn (NM_001318021.2, NM_001425091.1, NM_001425092.1); c.527G>A, p.Ser176Asn (NM_001425093.1); short protein forms S176N, S191N, S82N.
Identifiers: ClinVar variation 3685583 (VCV003685583.2).